The following is an entry in ClinVar:

ClinVar aggregate classification (germline): Uncertain significance (1 of 4 stars; one submission).

Conditions:
Retinitis pigmentosa 71 (RP71). Identifiers: Orphanet 791, MedGen C4225342, MONDO:0014618, OMIM 616394.
Short-rib thoracic dysplasia 10 with or without polydactyly (SRTD10). Identifiers: Orphanet 474, MedGen C3810175, MONDO:0014284, OMIM 615630.

Submission:

Labcorp Genetics (formerly Invitae), Labcorp
Classification: Uncertain significance for Retinitis pigmentosa 71; Short-rib thoracic dysplasia 10 with or without polydactyly. Last evaluated: 2023-01-13. Review status: criteria provided, single submitter. Criteria: Invitae Variant Classification Sherloc (09022015). Collection method: clinical testing. Allele origin: germline.
Comment: This sequence change replaces tyrosine, which is neutral and polar, with phenylalanine, which is neutral and non-polar, at codon 124 of the IFT172 protein (p.Tyr124Phe). This variant is not present in population databases (gnomAD no frequency). This variant has not been reported in the literature in individuals affected with IFT172-related conditions. Advanced modeling of protein sequence and biophysical properties (such as structural, functional, and spatial information, amino acid conservation, physicochemical variation, residue mobility, and thermodynamic stability) performed at Invitae indicates that this missense variant is not expected to disrupt IFT172 protein function. In summary, the available evidence is currently insufficient to determine the role of this variant in disease. Therefore, it has been classified as a Variant of Uncertain Significance.

NM_015662.3(IFT172):c.371A>T (p.Tyr124Phe)

Gene: IFT172 (intraflagellar transport 172; minus strand). Cytogenetic location: 2p23.3.
Variant type: single nucleotide variant.
Coding change: c.371A>T on transcript NM_015662.3 (MANE Select); coding-DNA position 371, A replaced by T.
Protein change: p.Tyr124Phe; replaces tyrosine 124 with phenylalanine.
Molecular consequence: missense variant.
Genome position (GRCh38, 1-based): chr2:27,483,903, T>A on the plus strand (A>T on the coding strand, the complement: IFT172 is on the minus strand). VCF-style: chr2-27483903-T-A. GRCh37 (hg19) VCF-style: chr2-27706770-T-A.
Other names: c.371A>T, p.Tyr124Phe (NM_001410739.1); short protein forms Y124F.
Identifiers: ClinVar variation 2937574 (VCV002937574.3), dbSNP rs2466028359, ClinGen allele CA346401322.